The following is an entry in ClinVar:

NM_000185.4(SERPIND1):c.1471G>T (p.Gly491Ter)

Genes: PI4KA (phosphatidylinositol 4-kinase alpha; minus strand), SERPIND1 (serpin family D member 1; plus strand). Cytogenetic location: 22q11.21.
Variant type: single nucleotide variant.
Coding change: c.1471G>T on transcript NM_000185.4 (MANE Select); coding-DNA position 1471, G replaced by T.
Protein change: p.Gly491Ter; replaces glycine 491 with a stop codon.
Molecular consequence: nonsense. On other transcripts: intron variant (3).
Genome position (GRCh38, 1-based): chr22:20,787,037, G>T. VCF-style: chr22-20787037-G-T. GRCh37 (hg19) VCF-style: chr22-21141325-G-T.
Other names: c.2262+6156C>A (NM_001362863.2); c.2328+6156C>A (NM_001362862.2, NM_058004.4); short protein forms G491*.
Identifiers: ClinVar variation 3383582 (VCV003383582.1).
Genomic context (GRCh38, chr22:20,787,037, plus strand): 5'-GTCGACCGCCCCTTTCTTTTCCTCATCTACGAGCATCGCACCAGCTGCCTGCTCTTCATG[G>T]GAAGAGTGGCCAACCCCAGCAGGTCCTAGAGGTGGAGGTCTAGGTGTCTGAAGTGCCTTG-3'

ClinVar aggregate classification (germline): Uncertain significance (1 of 4 stars; one submission).

gnomAD v4.1: 1 of 1,614,044 alleles (0.000062%); highest among the groups gnomAD compares: African/African-American, 0.0013%; no homozygotes.

Submission:

GeneDx
Classification: Uncertain significance. Last evaluated: 2024-05-30. Review status: criteria provided, single submitter. Criteria: GeneDx Variant Classification Process June 2021. Collection method: clinical testing. Allele origin: germline. Affected: yes.
Comment: Not observed at significant frequency in large population cohorts (gnomAD); Has not been previously published as pathogenic or benign to our knowledge; Nonsense variant predicted to result in protein truncation as the last 9 amino acids are lost in a gene for which loss-of-function is not an established mechanism of disease